The following is an entry in ClinVar:

NM_001142864.4(PIEZO1):c.4918G>A (p.Gly1640Arg)

Gene: PIEZO1 (piezo type mechanosensitive ion channel component 1 (Er blood group); minus strand). Cytogenetic location: 16q24.3.
Variant type: single nucleotide variant.
Coding change: c.4918G>A on transcript NM_001142864.4 (MANE Select); coding-DNA position 4918, G replaced by A.
Protein change: p.Gly1640Arg; replaces glycine 1640 with arginine.
Molecular consequence: missense variant.
Genome position (GRCh38, 1-based): chr16:88,722,255, C>T on the plus strand (G>A on the coding strand, the complement: PIEZO1 is on the minus strand). VCF-style: chr16-88722255-C-T. GRCh37 (hg19) VCF-style: chr16-88788663-C-T.
Other names: p.Gly1640Arg; c.3460G>A, p.Gly1154Arg (NM_014745.1); short protein forms G1154R, G1640R.
Identifiers: ClinVar variation 2683389 (VCV002683389.1), dbSNP rs530322988, ClinGen allele CA286409741.

ClinVar aggregate classification (germline): Uncertain significance (1 of 4 stars; one submission).

Allele frequency attached by ClinVar (database versions not stated): TOPMed below 0.00001; gnomAD 0.00001; 1000 Genomes Project 30x 0.00016; 1000 Genomes Project 0.00020.
gnomAD v4.1: 18 of 1,548,306 alleles (0.0012%); highest among the groups gnomAD compares: South Asian, 0.0083%; no homozygotes.

Submission:

Mayo Clinic Laboratories, Mayo Clinic
Classification: Uncertain significance. Last evaluated: 2022-06-06. Review status: criteria provided, single submitter. Criteria: ACMG Guidelines, 2015. Collection method: clinical testing. Allele origin: germline. Observed: 1 variant allele.
Comment: BP4_strong